The following is an entry in ClinVar:

NM_004369.4(COL6A3):c.5087T>C (p.Phe1696Ser)

Gene: COL6A3 (collagen type VI alpha 3 chain; minus strand). Cytogenetic location: 2q37.3.
Variant type: single nucleotide variant.
Coding change: c.5087T>C on transcript NM_004369.4 (MANE Select); coding-DNA position 5087, T replaced by C.
Protein change: p.Phe1696Ser; replaces phenylalanine 1696 with serine.
Molecular consequence: missense variant.
Genome position (GRCh38, 1-based): chr2:237,367,100, A>G on the plus strand (T>C on the coding strand, the complement: COL6A3 is on the minus strand). VCF-style: chr2-237367100-A-G. GRCh37 (hg19) VCF-style: chr2-238275743-A-G.
Other names: c.3266T>C, p.Phe1089Ser (NM_057166.5); c.4469T>C, p.Phe1490Ser (NM_057167.4); short protein forms F1089S, F1490S, F1696S.
Identifiers: ClinVar variation 3373284 (VCV003373284.2).

ClinVar aggregate classification (germline): Uncertain significance (1 of 4 stars; one submission).

Submission:

GeneDx
Classification: Uncertain significance. Last evaluated: 2025-02-11. Review status: criteria provided, single submitter. Criteria: GeneDx Variant Classification Process June 2021. Collection method: clinical testing. Allele origin: germline. Affected: yes.
Comment: Not observed at significant frequency in large population cohorts (gnomAD); In silico analysis supports that this missense variant has a deleterious effect on protein structure/function; Has not been previously published as pathogenic or benign to our knowledge